The following is an entry in ClinVar:

NM_172107.4(KCNQ2):c.1680dup (p.Pro561fs)

Gene: KCNQ2 (potassium voltage-gated channel subfamily Q member 2; minus strand). Cytogenetic location: 20q13.33.
Variant type: Duplication.
Coding change: c.1680dup on transcript NM_172107.4 (MANE Select); coding-DNA position 1680, one base duplicated (G; older notation c.1680dupG).
Protein change: p.Pro561fs; shifts the reading frame from proline 561.
Molecular consequence: frameshift variant.
Genome position (GRCh38, 1-based): chr20:63,413,533, C duplicated on the plus strand (G on the coding strand, the reverse complement: KCNQ2 is on the minus strand); the first of 2 consecutive C bases (chr20:63,413,533-63,413,534); duplicating either gives the same sequence. VCF-style (leftmost placement, unchanged base first): chr20-63413532-G-GC. GRCh37 (hg19) VCF-style: chr20-62044885-G-GC.
Other names: c.1596dup, p.Pro533fs (NM_004518.6); c.1626dup, p.Pro543fs (NM_172106.3); c.1587dup, p.Pro530fs (NM_172108.5); short protein forms P533fs, P543fs, P561fs, P530fs.
Identifiers: ClinVar variation 649870 (VCV000649870.2), dbSNP rs1601566621, ClinGen allele CA915952965.
Genomic context (GRCh38, chr20:63,413,532, plus strand): 5'-GGGACAGCATGTCCAGGTGGCCGGCTGAGTACTGCTCGATGACGTCCATCACGTCGTAGG[G>GC]CCGCAGGCTCTCCTTGAACTTCCGCTTGGACACCAGGAACCGCATGACACTGCAGGGGGG-3'

ClinVar aggregate classification (germline): Pathogenic (1 of 4 stars; one submission).

Conditions:
Developmental and epileptic encephalopathy. Identifiers: MedGen C5779964, MONDO:0100620.

Submission:

Labcorp Genetics (formerly Invitae), Labcorp
Classification: Pathogenic for Early infantile epileptic encephalopathy with suppression bursts. Last evaluated: 2018-10-23. Review status: criteria provided, single submitter. Criteria: Invitae Variant Classification Sherloc (09022015). Collection method: clinical testing. Allele origin: germline.
Comment: This sequence change creates a premature translational stop signal (p.Pro561Alafs*23) in the KCNQ2 gene. It is expected to result in an absent or disrupted protein product. This variant is not present in population databases (ExAC no frequency). This variant has not been reported in the literature in individuals with KCNQ2-related disease. Loss-of-function variants in KCNQ2 are known to be pathogenic (PMID: 14534157, 23692823, 25951140, 25959266, 26758118, 27779742). For these reasons, this variant has been classified as Pathogenic.